The following is an entry in ClinVar:

ClinVar aggregate classification (germline): Pathogenic/Likely pathogenic. Review status: criteria provided, multiple submitters, no conflicts (2 of 4 stars). 7 submissions from 7 submitters: Pathogenic (4); Likely pathogenic (2). 1 of the submissions does not count toward it. Last evaluated 2026-09-01.

Conditions:
Hypophosphatasia. Also called: Phosphoethanol-aminuria. Identifiers: Orphanet 436, MedGen C0020630, MeSH D007014, MONDO:0018570.
Adult hypophosphatasia. Identifiers: Orphanet 247676, Orphanet 436, MedGen C0268413, MONDO:1010154, OMIM 146300, MONDO:0007798.
ALPL-related disorder. Also called: ALPL-related condition; ALPL-related disorders.
Childhood hypophosphatasia. Identifiers: Orphanet 247667, Orphanet 436, MedGen C0220743, MONDO:1010168, OMIM 241510, MONDO:0009428.
Infantile hypophosphatasia. Identifiers: Orphanet 247651, Orphanet 436, MedGen C0268412, MONDO:1010169, OMIM 241500, MONDO:0009427.

Allele frequency attached by ClinVar (database versions not stated): gnomAD 0.00001; TOPMed 0.00002.
gnomAD v4.1: 3 of 1,614,078 alleles (0.00019%); highest among the groups gnomAD compares: Admixed American, 0.005%; no homozygotes.

Submissions (7):

Genomenon, Inc
Classification: Pathogenic for Hypophosphatasia. Last evaluated: 2026-09-01. Review status: criteria provided, single submitter. Criteria: Genomenon Sequence Variant Interpretation Standards - Updated. Collection method: curation. Allele origin: germline. Affected: yes.
Comment: ALPL p.Glu332Ter (c.994G>T) is a nonsense variant that introduces a premature stop codon at amino acid position 332 and is predicted to result in a truncated or absent protein product. This variant has been observed in at least one proband affected with an ALPL-related disorder (PMID:34633109). It is absent or not present at a significant frequency in gnomAD. In conclusion, we classify ALPL p.Glu332Ter (c.994G>T) as a pathogenic variant.

PreventionGenetics, part of Exact Sciences
Classification: Likely pathogenic for ALPL-related condition. Last evaluated: 2025-08-18. Review status: criteria provided, single submitter. Criteria: ACMG Guidelines, 2015. Collection method: clinical testing. Allele origin: germline.
Comment: The ALPL c.994G>T variant is predicted to result in premature protein termination (p.Glu332*). This variant has been detected in one individual from a cohort of patients who underwent genetic testing for hypophosphatemia (Rush et al. 2022. PubMed ID: 34633109). This variant was not reported in a large population database, indicating this variant is rare. Nonsense variants in ALPL are expected to be pathogenic. This variant is interpreted as likely pathogenic.

Natera, Inc.
Classification: Pathogenic for Hypophosphatasia. Last evaluated: 2025-05-01. Review status: criteria provided, single submitter. Criteria: Natera Variant Classification Schema (03/2026). Collection method: clinical testing. Allele origin: germline.
Comment: The c.994G>T variant in ALPL is a nonsense variant predicted to introduce a stop codon at amino acid 332. This variant is expected to result in nonsense mediated decay, truncation, or a dysfunctional protein product. This variant is rare in the general population with a frequency below the threshold expected for the associated phenotype(s). This variant has been observed in affected individual(s) with monoallelic occurrence (heterozygous/hemizygous) (PMID: 34633109). Given the available evidence, this variant is classified as Pathogenic.

Fulgent Genetics
Classification: Likely pathogenic for Adult hypophosphatasia; Infantile hypophosphatasia; Childhood hypophosphatasia. Last evaluated: 2024-03-22. Review status: criteria provided, single submitter. Criteria: ACMG Guidelines, 2015. Collection method: clinical testing. Allele origin: germline.

Baylor Genetics
Classification: Pathogenic for Adult hypophosphatasia. Last evaluated: 2024-03-04. Review status: criteria provided, single submitter. Criteria: ACMG Guidelines, 2015. Collection method: clinical testing. Allele origin: unknown.

Labcorp Genetics (formerly Invitae), Labcorp
Classification: Pathogenic. Last evaluated: 2023-07-08. Review status: criteria provided, single submitter. Criteria: Invitae Variant Classification Sherloc (09022015). Collection method: clinical testing. Allele origin: germline.
Comment: For these reasons, this variant has been classified as Pathogenic. ClinVar contains an entry for this variant (Variation ID: 591139). This variant has not been reported in the literature in individuals affected with ALPL-related conditions. This variant is not present in population databases (gnomAD no frequency). This sequence change creates a premature translational stop signal (p.Glu332*) in the ALPL gene. It is expected to result in an absent or disrupted protein product. Loss-of-function variants in ALPL are known to be pathogenic (PMID: 3174660, 10679946, 32973344, 33814268).

Gharavi Laboratory, Columbia University
Classification: Uncertain significance. Last evaluated: 2018-09-16. Review status: no assertion criteria provided. Criteria: ACMG Guidelines, 2015. Collection method: research. Allele origin: germline. Affected: yes. Not counted in ClinVar's aggregate classification.

Literature cited by the submitters: PubMed 34633109 (cited by Genomenon, Inc and Natera, Inc.); PubMed 3174660 (cited by Labcorp Genetics (formerly Invitae), Labcorp); PubMed 10679946 (cited by Labcorp Genetics (formerly Invitae), Labcorp); PubMed 32973344 (cited by Labcorp Genetics (formerly Invitae), Labcorp); PubMed 33814268 (cited by Labcorp Genetics (formerly Invitae), Labcorp).

NM_000478.6(ALPL):c.994G>T (p.Glu332Ter)

Gene: ALPL (alkaline phosphatase, biomineralization associated; plus strand). Cytogenetic location: 1p36.12.
Variant type: single nucleotide variant.
Coding change: c.994G>T on transcript NM_000478.6 (MANE Select); coding-DNA position 994, G replaced by T.
Protein change: p.Glu332Ter; replaces glutamic acid 332 with a stop codon.
Molecular consequence: nonsense.
Genome position (GRCh38, 1-based): chr1:21,573,796, G>T. VCF-style: chr1-21573796-G-T. GRCh37 (hg19) VCF-style: chr1-21900289-G-T.
Other names: c.829G>T, p.Glu277Ter (NM_001127501.4); c.763G>T, p.Glu255Ter (NM_001177520.3); c.994G>T, p.Glu332Ter (NM_001369803.2, NM_001369804.2, NM_001369805.2); c.994G>T (NM_000478.5); short protein forms E332*, E277*, E255*.
Identifiers: ClinVar variation 591139 (VCV000591139.14), dbSNP rs768976020, ClinGen allele CA338880440.